The following is an entry in ClinVar:

NM_000245.4(MET):c.476A>G (p.His159Arg)

Gene: MET (MET proto-oncogene, receptor tyrosine kinase; plus strand). Cytogenetic location: 7q31.2.
Variant type: single nucleotide variant.
Coding change: c.476A>G on transcript NM_000245.4 (MANE Select); coding-DNA position 476, A replaced by G.
Protein change: p.His159Arg; replaces histidine 159 with arginine.
Molecular consequence: missense variant. On other transcripts: intron variant (1).
Genome position (GRCh38, 1-based): chr7:116,699,560, A>G. VCF-style: chr7-116699560-A-G. GRCh37 (hg19) VCF-style: chr7-116339614-A-G.
Other names: c.476A>G, p.His159Arg (NM_001127500.3, NM_001324401.3); c.-91+26983A>G (NM_001324402.2); short protein forms H159R.
Identifiers: ClinVar variation 2709319 (VCV002709319.5), dbSNP rs2116589825, ClinGen allele CA368969165.
Genomic context (GRCh38, chr7:116,699,560, plus strand): 5'-GGACCTGCCAGCGACATGTCTTTCCCCACAATCATACTGCTGACATACAGTCGGAGGTTC[A>G]CTGCATATTCTCCCCACAGATAGAAGAGCCCAGCCAGTGTCCTGACTGTGTGGTGAGCGC-3'
Protein context (NP_000236.2, residues 149-169): NHTADIQSEV[His159Arg]CIFSPQIEEP

ClinVar aggregate classification (germline): Conflicting classifications of pathogenicity. Review status: criteria provided, conflicting classifications (1 of 4 stars). 2 submissions from 2 submitters: Uncertain significance (1); Likely benign (1). Last evaluated 2026-06-03.

Conditions:
Renal cell carcinoma. Identifiers: Orphanet 217071, MedGen C0007134, MeSH D002292, MONDO:0005086, HP:0005584.
Hereditary cancer-predisposing syndrome. Also called: Tumor predisposition; Hereditary neoplastic syndrome; Neoplastic Syndromes, Hereditary; Hereditary Cancer Syndrome. Identifiers: Orphanet 140162, MedGen C0027672, MeSH D009386, MONDO:0015356.

Submissions (2):

Ambry Genetics
Classification: Likely benign for Hereditary cancer-predisposing syndrome. Last evaluated: 2026-06-03. Review status: criteria provided, single submitter. Criteria: Ambry Variant Classification Scheme 2023. Collection method: clinical testing. Allele origin: germline.

Labcorp Genetics (formerly Invitae), Labcorp
Classification: Uncertain significance for Renal cell carcinoma. Last evaluated: 2025-05-19. Review status: criteria provided, single submitter. Criteria: Invitae Variant Classification Sherloc (09022015). Collection method: clinical testing. Allele origin: germline.
Comment: This sequence change replaces histidine, which is basic and polar, with arginine, which is basic and polar, at codon 159 of the MET protein (p.His159Arg). This variant is not present in population databases (gnomAD no frequency). This variant has not been reported in the literature in individuals affected with MET-related conditions. ClinVar contains an entry for this variant (Variation ID: 2709319). Invitae Evidence Modeling of protein sequence and biophysical properties (such as structural, functional, and spatial information, amino acid conservation, physicochemical variation, residue mobility, and thermodynamic stability) indicates that this missense variant is not expected to disrupt MET protein function with a negative predictive value of 80%. In summary, the available evidence is currently insufficient to determine the role of this variant in disease. Therefore, it has been classified as a Variant of Uncertain Significance.